The following is an entry in ClinVar:

NM_004722.4(AP4M1):c.463-2A>T

Gene: AP4M1 (adaptor related protein complex 4 subunit mu 1; plus strand). Cytogenetic location: 7q22.1.
Variant type: single nucleotide variant.
Coding change: c.463-2A>T on transcript NM_004722.4 (MANE Select); the canonical splice acceptor site of the intron before coding-DNA position 463, A replaced by T.
Molecular consequence: splice acceptor variant.
Genome position (GRCh38, 1-based): chr7:100,103,610, A>T. VCF-style: chr7-100103610-A-T. GRCh37 (hg19) VCF-style: chr7-99701233-A-T.
Other names: c.484-2A>T (NM_001363671.2).
Identifiers: ClinVar variation 1476254 (VCV001476254.7), dbSNP rs750783717, ClinGen allele CA163214917.

ClinVar aggregate classification (germline): Likely pathogenic (1 of 4 stars; one submission).

Conditions:
Hereditary spastic paraplegia 50 (SPG50). Also called: Spastic paraplegia 50, autosomal recessive. Identifiers: Orphanet 280763, MedGen C2752008, MONDO:0013048, OMIM 612936.

Allele frequency attached by ClinVar (database versions not stated): gnomAD 0.00001; gnomAD exomes 0.00001 and 0.00004; TOPMed 0.00001.
gnomAD v4.1: 53 of 1,613,940 alleles (0.0033%); highest among the groups gnomAD compares: Non-Finnish European, 0.0045%; no homozygotes.

Submission:

Labcorp Genetics (formerly Invitae), Labcorp
Classification: Likely pathogenic for Hereditary spastic paraplegia 50. Last evaluated: 2021-09-21. Review status: criteria provided, single submitter. Criteria: Invitae Variant Classification Sherloc (09022015). Collection method: clinical testing. Allele origin: germline.
Comment: This sequence change affects an acceptor splice site in intron 5 of the AP4M1 gene. It is expected to disrupt RNA splicing. Variants that disrupt the donor or acceptor splice site typically lead to a loss of protein function (PMID: 16199547), and loss-of-function variants in AP4M1 are known to be pathogenic (PMID: 24700674, 25496299, 25558065). This variant is not present in population databases (ExAC no frequency). In summary, the currently available evidence indicates that the variant is pathogenic, but additional data are needed to prove that conclusively. Therefore, this variant has been classified as Likely Pathogenic. Algorithms developed to predict the effect of sequence changes on RNA splicing suggest that this variant may disrupt the consensus splice site. This variant has not been reported in the literature in individuals affected with AP4M1-related conditions.

Literature cited by the submitters: PubMed 16199547; PubMed 24700674; PubMed 25496299; PubMed 25558065.